The following is an entry in ClinVar:

NM_199242.3(UNC13D):c.1962G>C (p.Glu654Asp)

Gene: UNC13D (unc-13 homolog D; minus strand). Cytogenetic location: 17q25.1.
Variant type: single nucleotide variant.
Coding change: c.1962G>C on transcript NM_199242.3 (MANE Select); coding-DNA position 1962, G replaced by C.
Protein change: p.Glu654Asp; replaces glutamic acid 654 with aspartic acid.
Molecular consequence: missense variant.
Genome position (GRCh38, 1-based): chr17:75,834,950, C>G on the plus strand (G>C on the coding strand, the complement: UNC13D is on the minus strand). VCF-style: chr17-75834950-C-G. GRCh37 (hg19) VCF-style: chr17-73831031-C-G.
Other names: short protein forms E654D.
Identifiers: ClinVar variation 663488 (VCV000663488.6), dbSNP rs368817708, ClinGen allele CA8772738.

ClinVar aggregate classification (germline): Uncertain significance (1 of 4 stars; one submission).

Conditions:
Familial hemophagocytic lymphohistiocytosis 3 (FHL3). Also called: UNC13D-Related Familial Hemophagocytic Lymphohistiocytosis (UNC13D-fHLH). Identifiers: Orphanet 540, MedGen C1837174, MONDO:0012146, OMIM 608898.

Allele frequency attached by ClinVar (database versions not stated): ESP Exome Variant Server 0.00008; ExAC 0.00001; gnomAD 0.00001; gnomAD exomes 0.00002 and 0.00003.
gnomAD v4.1: 43 of 1,613,966 alleles (0.0027%); highest among the groups gnomAD compares: Non-Finnish European, 0.0035%; no homozygotes.

Submission:

Labcorp Genetics (formerly Invitae), Labcorp
Classification: Uncertain significance for Familial hemophagocytic lymphohistiocytosis 3. Last evaluated: 2023-10-13. Review status: criteria provided, single submitter. Criteria: Invitae Variant Classification Sherloc (09022015). Collection method: clinical testing. Allele origin: germline.
Comment: This sequence change replaces glutamic acid, which is acidic and polar, with aspartic acid, which is acidic and polar, at codon 654 of the UNC13D protein (p.Glu654Asp). This variant is present in population databases (rs368817708, gnomAD 0.004%). This variant has not been reported in the literature in individuals affected with UNC13D-related conditions. ClinVar contains an entry for this variant (Variation ID: 663488). Advanced modeling of protein sequence and biophysical properties (such as structural, functional, and spatial information, amino acid conservation, physicochemical variation, residue mobility, and thermodynamic stability) performed at Invitae indicates that this missense variant is not expected to disrupt UNC13D protein function. In summary, the available evidence is currently insufficient to determine the role of this variant in disease. Therefore, it has been classified as a Variant of Uncertain Significance.